The following is an entry in ClinVar:

NM_014704.4(CEP104):c.681G>A (p.Lys227=)

Gene: CEP104 (centrosomal protein 104; minus strand). Cytogenetic location: 1p36.32.
Variant type: single nucleotide variant.
Coding change: c.681G>A on transcript NM_014704.4 (MANE Select); coding-DNA position 681, G replaced by A.
Protein change: p.Lys227=; no amino-acid change (lysine 227 retained).
Molecular consequence: synonymous variant.
Genome position (GRCh38, 1-based): chr1:3,839,662, C>T on the plus strand (G>A on the coding strand, the complement: CEP104 is on the minus strand). VCF-style: chr1-3839662-C-T. GRCh37 (hg19) VCF-style: chr1-3756226-C-T.
Identifiers: ClinVar variation 475464 (VCV000475464.14), dbSNP rs61746709, ClinGen allele CA551853.

ClinVar aggregate classification (germline): Benign. Review status: criteria provided, multiple submitters, no conflicts (2 of 4 stars). 4 submissions from 4 submitters: Benign (3). 1 of the submissions does not count toward it. Last evaluated 2026-02-02.

Conditions:
CEP104-related disorder. Also called: CEP104-related condition.
Joubert syndrome 25 (JBTS25). Identifiers: Orphanet 475, MedGen C4084842, MONDO:0014770, OMIM 616781.

Allele frequency attached by ClinVar (database versions not stated): ESP Exome Variant Server 0.00100; gnomAD exomes 0.00497 and 0.01909; gnomAD 0.01114 and 0.01159; TOPMed 0.01637; 1000 Genomes Project 0.01737; 1000 Genomes Project 30x 0.02046; ExAC 0.01386.
gnomAD v4.1: 8,984 of 1,614,118 alleles (0.56%); highest among the groups gnomAD compares: Admixed American, 12%; 536 homozygotes.

Submissions (4):

Labcorp Genetics (formerly Invitae), Labcorp
Classification: Benign for Joubert syndrome 25. Last evaluated: 2026-02-02. Review status: criteria provided, single submitter. Criteria: Invitae Variant Classification Sherloc (09022015). Collection method: clinical testing. Allele origin: germline.

GeneDx
Classification: Benign. Last evaluated: 2018-08-19. Review status: criteria provided, single submitter. Criteria: GeneDx Variant Classification Process June 2021. Collection method: clinical testing. Allele origin: germline. Affected: yes.

Breakthrough Genomics
Classification: Benign. Review status: criteria provided, single submitter. Criteria: ACMG Guidelines, 2015. Collection method: not provided. Allele origin: germline. Inheritance: Autosomal recessive inheritance. Affected: yes.

PreventionGenetics, part of Exact Sciences
Classification: Benign for CEP104-related condition. Last evaluated: 2019-04-01. Review status: no assertion criteria provided. Collection method: clinical testing. Allele origin: germline. Not counted in ClinVar's aggregate classification.
Comment: This variant is classified as benign based on ACMG/AMP sequence variant interpretation guidelines (Richards et al. 2015 PMID: 25741868, with internal and published modifications).